The following is an entry in ClinVar:

NM_000540.3(RYR1):c.14905T>C (p.Phe4969Leu)

Gene: RYR1 (ryanodine receptor 1; plus strand). Cytogenetic location: 19q13.2.
Variant type: single nucleotide variant.
Coding change: c.14905T>C on transcript NM_000540.3 (MANE Select); coding-DNA position 14905, T replaced by C.
Protein change: p.Phe4969Leu; replaces phenylalanine 4969 with leucine.
Molecular consequence: missense variant.
Genome position (GRCh38, 1-based): chr19:38,586,127, T>C. VCF-style: chr19-38586127-T-C. GRCh37 (hg19) VCF-style: chr19-39076767-T-C.
Other names: c.14890T>C, p.Phe4964Leu (NM_001042723.2); short protein forms F4964L, F4969L.
Identifiers: ClinVar variation 3069265 (VCV003069265.1), dbSNP rs2514779974, ClinGen allele CA405692914.

ClinVar aggregate classification (germline): Uncertain significance (1 of 4 stars; one submission).

Conditions:
Malignant hyperthermia, susceptibility to, 1 (MHS1). Also called: RYR1-Related Malignant Hyperthermia Susceptibility; Anesthesia related hyperthermia; Malignant hyperpyrexia; Fulminating hyperpyrexia; Pharmacogenic myopathy; Malignant hyperthermia suceptibility 1. Identifiers: Orphanet 423, MedGen C2930980, MONDO:0007783, OMIM 145600.

Submission:

All of Us Research Program, National Institutes of Health
Classification: Uncertain significance for Malignant hyperthermia, susceptibility to, 1. Last evaluated: 2023-05-04. Review status: criteria provided, single submitter. Criteria: ACMG Guidelines, 2015. Collection method: clinical testing. Allele origin: germline. Inheritance: Autosomal dominant inheritance. Observed: 1 variant allele, 1 heterozygote.
Comment: This missense variant replaces phenylalanine with leucine at codon 4969 of the RYR1 protein. Computational prediction suggests that this variant may have deleterious impact on protein structure and function (internally defined REVEL score threshold >= 0.7, PMID: 27666373). To our knowledge, functional studies have not been reported for this variant. This variant has not been reported in individuals affected with RYR1-related disorders in the literature. This variant has not been identified in the general population by the Genome Aggregation Database (gnomAD). The available evidence is insufficient to determine the role of this variant in disease conclusively. Therefore, this variant is classified as a Variant of Uncertain Significance.

This study involves interpretation of variants in research participants for the purpose of population health screening. Participant phenotype was not available at the time of variant classification. Additional details can be found in publication PMID: 35346344, PMCID: PMC8962531